The following is an entry in ClinVar:

ClinVar aggregate classification (germline): Uncertain significance (1 of 4 stars; one submission).

Conditions:
Hereditary cancer-predisposing syndrome. Also called: Neoplastic Syndromes, Hereditary; Tumor predisposition; Hereditary neoplastic syndrome; Hereditary Cancer Syndrome. Identifiers: Orphanet 140162, MedGen C0027672, MeSH D009386, MONDO:0015356.

Submission:

Ambry Genetics
Classification: Uncertain significance for Hereditary cancer-predisposing syndrome. Last evaluated: 2024-03-27. Review status: criteria provided, single submitter. Criteria: Ambry Variant Classification Scheme 2023. Collection method: clinical testing. Allele origin: germline.
Comment: The c.1386delCinsTCGCCCT variant, located in coding exon 5 of the AXIN2 gene, results from an in-frame deletion of C and insertion of TCGCCCT at nucleotide position 1386. This results in the duplication of the proline and arginine amino acids at positions 462 to 463. This amino acid region is well conserved in available vertebrate species. In addition, the in silico prediction for this alteration is inconclusive (Choi Y et al. PLoS ONE. 2012; 7(10):e46688). Since supporting evidence is limited at this time, the clinical significance of this alteration remains unclear.

NM_004655.4(AXIN2):c.1386delinsTCGCCCT (p.Arg463_Ser464insProArg)

Gene: AXIN2 (axin 2; minus strand). Cytogenetic location: 17q24.1.
Variant type: Indel.
Coding change: c.1386delinsTCGCCCT on transcript NM_004655.4 (MANE Select); coding-DNA position 1386, C replaced by TCGCCCT.
Protein change: p.Arg463_Ser464insProArg.
Molecular consequence: inframe insertion.
Genome position (GRCh38, 1-based): chr17:65,537,650, G replaced by AGGGCGA on the plus strand (C replaced by TCGCCCT on the coding strand, the reverse complement: AXIN2 is on the minus strand). VCF-style: chr17-65537650-G-AGGGCGA. GRCh37 (hg19) VCF-style: chr17-63533768-G-AGGGCGA.
Other names: c.1386delinsTCGCCCT, p.Arg463_Ser464insProArg (NM_001363813.1).
Identifiers: ClinVar variation 3335413 (VCV003335413.1).